The following is an entry in ClinVar:

ClinVar aggregate classification (germline): Uncertain significance (1 of 4 stars; one submission).

Allele frequency attached by ClinVar (database versions not stated): gnomAD exomes below 0.00001; TOPMed below 0.00001.
gnomAD v4.1: 5 of 1,614,094 alleles (0.00031%); highest among the groups gnomAD compares: Non-Finnish European, 0.00042%; no homozygotes.

Submission:

Labcorp Genetics (formerly Invitae), Labcorp
Classification: Uncertain significance. Last evaluated: 2022-08-13. Review status: criteria provided, single submitter. Criteria: Invitae Variant Classification Sherloc (09022015). Collection method: clinical testing. Allele origin: germline.
Comment: In summary, the available evidence is currently insufficient to determine the role of this variant in disease. Therefore, it has been classified as a Variant of Uncertain Significance. Algorithms developed to predict the effect of missense changes on protein structure and function are either unavailable or do not agree on the potential impact of this missense change (SIFT: "Deleterious"; PolyPhen-2: "Probably Damaging"; Align-GVGD: "Class C15"). This variant has not been reported in the literature in individuals affected with MYH3-related conditions. This variant is not present in population databases (gnomAD no frequency). This sequence change replaces glutamine, which is neutral and polar, with histidine, which is basic and polar, at codon 1371 of the MYH3 protein (p.Gln1371His).

NM_002470.4(MYH3):c.4113G>T (p.Gln1371His)

Gene: MYH3 (myosin heavy chain 3; minus strand). Cytogenetic location: 17p13.1.
Variant type: single nucleotide variant.
Coding change: c.4113G>T on transcript NM_002470.4 (MANE Select); coding-DNA position 4113, G replaced by T.
Protein change: p.Gln1371His; replaces glutamine 1371 with histidine.
Molecular consequence: missense variant.
Genome position (GRCh38, 1-based): chr17:10,635,426, C>A on the plus strand (G>T on the coding strand, the complement: MYH3 is on the minus strand). VCF-style: chr17-10635426-C-A. GRCh37 (hg19) VCF-style: chr17-10538743-C-A.
Other names: short protein forms Q1371H.
Identifiers: ClinVar variation 2046421 (VCV002046421.4), dbSNP rs1171688131, ClinGen allele CA398144770.